The following is an entry in ClinVar:

NM_001611.5(ACP5):c.80G>A (p.Arg27His)

Gene: ACP5 (acid phosphatase 5, tartrate resistant; minus strand). Cytogenetic location: 19p13.2.
Variant type: single nucleotide variant.
Coding change: c.80G>A on transcript NM_001611.5 (MANE Select); coding-DNA position 80, G replaced by A.
Protein change: p.Arg27His; replaces arginine 27 with histidine.
Molecular consequence: missense variant.
Genome position (GRCh38, 1-based): chr19:11,577,238, C>T on the plus strand (G>A on the coding strand, the complement: ACP5 is on the minus strand). VCF-style: chr19-11577238-C-T. GRCh37 (hg19) VCF-style: chr19-11688053-C-T.
Other names: c.80G>A, p.Arg27His (NM_001111034.3, NM_001111035.3, NM_001111036.3 and 1 more transcripts); short protein forms R27H.
Identifiers: ClinVar variation 1445666 (VCV001445666.4), dbSNP rs376043348, ClinGen allele CA9215528.
Genomic context (GRCh38, chr19:11,577,238, plus strand): 5'-TCCCGGGCCGTGTGGAATGGGGCATTGGGGACCCCTCCCCAGTCACCCACGGCTACAAAG[C>T]GCAGGGCAGGGGTGGCACCATCAGCCAGGGAGGGTAGCAACAAGGCTTGCAGGATGAGCA-3'
Protein context (NP_001602.1, residues 17-37): SLADGATPAL[Arg27His]FVAVGDWGGV

ClinVar aggregate classification (germline): Uncertain significance (1 of 4 stars; one submission).

Conditions:
Spondyloenchondrodysplasia with immune dysregulation (SPENCDI). Also called: COMBINED IMMUNODEFICIENCY WITH AUTOIMMUNITY AND SPONDYLOMETAPHYSEAL DYSPLASIA; ROIFMAN IMMUNOSKELETAL SYNDROME; SPONDYLOENCHONDRODYSPLASIA WITH OR WITHOUT IMMUNE DYSREGULATION. Identifiers: Orphanet 1855, MedGen C1842763, MONDO:0011939, OMIM 607944.

Allele frequency attached by ClinVar (database versions not stated): ExAC 0.00003; gnomAD exomes 0.00004 and 0.00005; TOPMed 0.00005; gnomAD 0.00007; ESP Exome Variant Server 0.00008.

Submission:

Labcorp Genetics (formerly Invitae), Labcorp
Classification: Uncertain significance for Spondyloenchondrodysplasia with immune dysregulation. Last evaluated: 2024-12-16. Review status: criteria provided, single submitter. Criteria: Invitae Variant Classification Sherloc (09022015). Collection method: clinical testing. Allele origin: germline.
Comment: This sequence change replaces arginine, which is basic and polar, with histidine, which is basic and polar, at codon 27 of the ACP5 protein (p.Arg27His). This variant is present in population databases (rs376043348, gnomAD 0.007%). This variant has not been reported in the literature in individuals affected with ACP5-related conditions. ClinVar contains an entry for this variant (Variation ID: 1445666). Invitae Evidence Modeling of protein sequence and biophysical properties (such as structural, functional, and spatial information, amino acid conservation, physicochemical variation, residue mobility, and thermodynamic stability) indicates that this missense variant is not expected to disrupt ACP5 protein function with a negative predictive value of 95%. In summary, the available evidence is currently insufficient to determine the role of this variant in disease. Therefore, it has been classified as a Variant of Uncertain Significance.